The following is an entry in ClinVar:

NM_004655.4(AXIN2):c.1327C>T (p.Leu443=)

Gene: AXIN2 (axin 2; minus strand). Cytogenetic location: 17q24.1.
Variant type: single nucleotide variant.
Coding change: c.1327C>T on transcript NM_004655.4 (MANE Select); coding-DNA position 1327, C replaced by T.
Protein change: p.Leu443=; no amino-acid change (leucine 443 retained).
Molecular consequence: synonymous variant.
Genome position (GRCh38, 1-based): chr17:65,537,709, G>A on the plus strand (C>T on the coding strand, the complement: AXIN2 is on the minus strand). VCF-style: chr17-65537709-G-A. GRCh37 (hg19) VCF-style: chr17-63533827-G-A.
Other names: c.1327C>T, p.Leu443= (NM_001363813.1); c.1327C>T (LRG_296t1).
Identifiers: ClinVar variation 377545 (VCV000377545.49), dbSNP rs371691797, ClinGen allele CA8718679.

ClinVar aggregate classification (germline): Benign/Likely benign. Review status: criteria provided, multiple submitters, no conflicts (2 of 4 stars). 14 submissions from 14 submitters: Benign (3); Likely benign (7). 4 of the submissions do not count toward it. Last evaluated 2026-02-02.

Conditions:
Hereditary cancer-predisposing syndrome. Also called: Tumor predisposition; Hereditary Cancer Syndrome; Hereditary neoplastic syndrome; Neoplastic Syndromes, Hereditary. Identifiers: Orphanet 140162, MedGen C0027672, MeSH D009386, MONDO:0015356.
Oligodontia-cancer predisposition syndrome. Also called: TOOTH AGENESIS-COLORECTAL CANCER SYNDROME. Identifiers: Orphanet 300576, MedGen C1837750, MONDO:0012075, OMIM 608615. Disease mechanism: loss of function.
AXIN2-related disorder.

Allele frequency attached by ClinVar (database versions not stated): ExAC 0.00008; ESP Exome Variant Server 0.00008; TOPMed 0.00009; gnomAD 0.00013; gnomAD exomes 0.00013 and 0.00015.
gnomAD v4.1: 235 of 1,559,252 alleles (0.015%); highest among the groups gnomAD compares: Non-Finnish European, 0.019%; no homozygotes.

Submissions (14):

Labcorp Genetics (formerly Invitae), Labcorp
Classification: Likely benign for Oligodontia-cancer predisposition syndrome. Last evaluated: 2026-02-02. Review status: criteria provided, single submitter. Criteria: Invitae Variant Classification Sherloc (09022015). Collection method: clinical testing. Allele origin: germline.

Center for Genomic Medicine, Rigshospitalet, Copenhagen University Hospital
Classification: Likely benign. Last evaluated: 2025-03-04. Review status: criteria provided, single submitter. Criteria: ACMG Guidelines, 2015. Collection method: clinical testing. Allele origin: germline.

Blueprint Genetics
Classification: Likely benign. Last evaluated: 2024-07-11. Review status: criteria provided, single submitter. Criteria: ACMG Guidelines, 2015. Collection method: clinical testing. Allele origin: germline.

Myriad Genetics, Inc.
Classification: Benign for Oligodontia-cancer predisposition syndrome. Last evaluated: 2024-07-02. Review status: criteria provided, single submitter. Criteria: Myriad Autosomal Dominant, Autosomal Recessive and X-Linked Classification Criteria (2023). Collection method: clinical testing. Allele origin: unknown.
Comment: This variant is considered benign. This variant is a silent/synonymous amino acid change and it is not expected to impact splicing.

CeGaT Center for Human Genetics Tuebingen
Classification: Likely benign. Last evaluated: 2024-05-01. Review status: criteria provided, single submitter. Criteria: CeGaT Center For Human Genetics Tuebingen Variant Classification Criteria Version 2. Collection method: clinical testing. Allele origin: germline. Affected: yes. Observed: 1 variant allele.
Comment: AXIN2: BP4, BP7

Quest Diagnostics Nichols Institute San Juan Capistrano
Classification: Likely benign. Last evaluated: 2023-06-26. Review status: criteria provided, single submitter. Criteria: Quest Diagnostics criteria. Collection method: clinical testing. Allele origin: unknown.

GeneDx
Classification: Likely benign. Last evaluated: 2021-03-18. Review status: criteria provided, single submitter. Criteria: GeneDx Variant Classification Process June 2021. Collection method: clinical testing. Allele origin: germline. Affected: yes.

Sema4
Classification: Benign for Hereditary cancer-predisposing syndrome. Last evaluated: 2020-10-07. Review status: criteria provided, single submitter. Criteria: Sema4 Curation Guidelines. Collection method: curation. Allele origin: germline.

Ambry Genetics
Classification: Likely benign for Hereditary cancer-predisposing syndrome. Last evaluated: 2019-03-20. Review status: criteria provided, single submitter. Criteria: Ambry Variant Classification Scheme 2023. Collection method: clinical testing. Allele origin: germline.

Illumina Laboratory Services, Illumina
Classification: Benign for Oligodontia-cancer predisposition syndrome. Last evaluated: 2018-01-13. Review status: criteria provided, single submitter. Criteria: ICSL Variant Classification Criteria 13 December 2019. Collection method: clinical testing. Allele origin: germline.
Comment: This variant was observed in the ICSL laboratory as part of a predisposition screen in an ostensibly healthy population. It had not been previously curated by ICSL or reported in the Human Gene Mutation Database (HGMD: prior to June 1st, 2018), and was therefore a candidate for classification through an automated scoring system. Utilizing variant allele frequency, disease prevalence and penetrance estimates, and inheritance mode, an automated score was calculated to assess if this variant is too frequent to cause the disease. Based on the score and internal cut-off values, a variant classified as benign is not then subjected to further curation. The score for this variant resulted in a classification of benign for this disease.

PreventionGenetics, part of Exact Sciences
Classification: Likely benign for AXIN2-related condition. Last evaluated: 2019-12-23. Review status: no assertion criteria provided. Collection method: clinical testing. Allele origin: germline. Not counted in ClinVar's aggregate classification.
Comment: This variant is classified as likely benign based on ACMG/AMP sequence variant interpretation guidelines (Richards et al. 2015 PMID: 25741868, with internal and published modifications).

Clinical Genetics DNA and cytogenetics Diagnostics Lab, Erasmus MC, Erasmus Medical Center
Classification: Likely benign. Review status: no assertion criteria provided. Collection method: clinical testing. Allele origin: germline. Affected: yes. Study: VKGL Data-share Consensus. Not counted in ClinVar's aggregate classification.

Clinical Genetics, Academic Medical Center
Classification: Likely benign. Review status: no assertion criteria provided. Collection method: clinical testing. Allele origin: germline. Affected: yes. Study: VKGL Data-share Consensus. Not counted in ClinVar's aggregate classification.

Laboratory of Diagnostic Genome Analysis, Leiden University Medical Center (LUMC)
Classification: Likely benign. Review status: no assertion criteria provided. Collection method: clinical testing. Allele origin: germline. Affected: yes. Study: VKGL Data-share Consensus. Not counted in ClinVar's aggregate classification.